The following is an entry in ClinVar:

NM_001754.5(RUNX1):c.250G>A (p.Asp84Asn)

Gene: RUNX1 (RUNX family transcription factor 1; minus strand). Cytogenetic location: 21q22.12.
Variant type: single nucleotide variant.
Coding change: c.250G>A on transcript NM_001754.5 (MANE Select); coding-DNA position 250, G replaced by A.
Protein change: p.Asp84Asn; replaces aspartic acid 84 with asparagine.
Molecular consequence: missense variant.
Genome position (GRCh38, 1-based): chr21:34,886,944, C>T on the plus strand (G>A on the coding strand, the complement: RUNX1 is on the minus strand). VCF-style: chr21-34886944-C-T. GRCh37 (hg19) VCF-style: chr21-36259241-C-T.
Other names: NM_001754.5(RUNX1):c.250G>A; p.Asp84Asn; c.169G>A, p.Asp57Asn (NM_001001890.3, NM_001122607.2); short protein forms D84N, D57N.
Identifiers: ClinVar variation 2859737 (VCV002859737.5), dbSNP rs779860067, ClinGen allele CA10014562.

ClinVar aggregate classification (germline): Uncertain significance. Review status: reviewed by expert panel (3 of 4 stars). 3 submissions from 3 submitters: Uncertain significance (1). 2 of the submissions do not count toward it. Last evaluated 2024-10-29.

Conditions:
Hereditary thrombocytopenia and hematological cancer predisposition syndrome associated with RUNX1. Also called: Familial Platelet Disorder with Propensity to Acute Myelogenous Leukemia; Familial thrombocytopenia with propensity to acute myelogenous leukemia; RUNX1 Familial Platelet Disorder with Associated Myeloid Malignancies; PLATELET DISORDER, ASPIRIN-LIKE. Identifiers: Orphanet 71290, MedGen C1832388, MeSH C563324, MONDO:0100083, OMIM 601399.
Inborn genetic diseases. Identifiers: MedGen C0950123, MeSH D030342.
Hereditary thrombocytopenia and hematologic cancer predisposition syndrome. Identifiers: Orphanet 71290, MedGen CN281654, MONDO:0011071.

Allele frequency attached by ClinVar (database versions not stated): ExAC 0.00001; gnomAD exomes below 0.00001.
gnomAD v4.1: 1 of 1,612,738 alleles (0.000062%); highest among the groups gnomAD compares: Admixed American, 0.0017%; no homozygotes.

Submissions (3):

ClinGen Myeloid Malignancy Variant Curation Expert Panel
Classification: Uncertain significance for Hereditary thrombocytopenia and hematologic cancer predisposition syndrome. Last evaluated: 2024-10-29. Review status: reviewed by expert panel. Criteria: ClinGen MyeloMalig ACMG Specifications v2. Collection method: curation. Allele origin: germline. Inheritance: Autosomal dominant inheritance.
Comment: NM_001754.5(RUNX1):c.250G>A (p.Asp84Asn) is a missense variant which does not meet any ACMG/AMP criteria. In summary, the clinical significance of this variant is uncertain. ACMG/AMP criteria applied, as specified by the Myeloid Malignancy Variant Curation Expert Panel for RUNX1: None.

Ambry Genetics
Classification: Uncertain significance for Inborn genetic diseases. Last evaluated: 2026-07-27. Review status: criteria provided, single submitter. Criteria: Ambry Variant Classification Scheme 2023. Collection method: clinical testing. Allele origin: germline. Not counted in ClinVar's aggregate classification.
Comment: The p.D84N variant (also known as c.250G>A), located in coding exon 3 of the RUNX1 gene, results from a G to A substitution at nucleotide position 250. The aspartic acid at codon 84 is replaced by asparagine, an amino acid with highly similar properties. This amino acid position is conserved. In addition, the in silico prediction for this alteration is inconclusive. Based on the available evidence, the clinical significance of this variant remains unclear.

Labcorp Genetics (formerly Invitae), Labcorp
Classification: Uncertain significance for Hereditary thrombocytopenia and hematological cancer predisposition syndrome associated with RUNX1. Last evaluated: 2023-04-27. Review status: criteria provided, single submitter. Criteria: Invitae Variant Classification Sherloc (09022015). Collection method: clinical testing. Allele origin: germline. Not counted in ClinVar's aggregate classification.
Comment: In summary, the available evidence is currently insufficient to determine the role of this variant in disease. Therefore, it has been classified as a Variant of Uncertain Significance. Advanced modeling of protein sequence and biophysical properties (such as structural, functional, and spatial information, amino acid conservation, physicochemical variation, residue mobility, and thermodynamic stability) has been performed at Invitae for this missense variant, however the output from this modeling did not meet the statistical confidence thresholds required to predict the impact of this variant on RUNX1 protein function. This variant has not been reported in the literature in individuals affected with RUNX1-related conditions. This variant is present in population databases (rs779860067, gnomAD 0.003%). This sequence change replaces aspartic acid, which is acidic and polar, with asparagine, which is neutral and polar, at codon 84 of the RUNX1 protein (p.Asp84Asn).